The following is an entry in ClinVar:

NM_002241.5(KCNJ10):c.*413G>A

Gene: KCNJ10 (potassium inwardly rectifying channel subfamily J member 10; minus strand). Cytogenetic location: 1q23.2.
Variant type: single nucleotide variant.
Coding change: c.*413G>A on transcript NM_002241.5 (MANE Select); 413 bases downstream of the stop codon, G replaced by A.
Molecular consequence: 3 prime UTR variant.
Genome position (GRCh38, 1-based): chr1:160,040,980, C>T on the plus strand (G>A on the coding strand, the complement: KCNJ10 is on the minus strand). VCF-style: chr1-160040980-C-T. GRCh37 (hg19) VCF-style: chr1-160010770-C-T.
Identifiers: ClinVar variation 876466 (VCV000876466.5), dbSNP rs79238495, ClinGen allele CA31469527.

ClinVar aggregate classification (germline): Benign/Likely benign. Review status: criteria provided, multiple submitters, no conflicts (2 of 4 stars). 3 submissions from 2 submitters: Benign (2); Likely benign (1). Last evaluated 2021-05-20.

Conditions:
Autosomal recessive nonsyndromic hearing loss 4 (DFNB4). Also called: Deafness, autosomal recessive 4; NEUROSENSORY NONSYNDROMIC RECESSIVE DEAFNESS 4; FOXI1-Related Pendred Syndrome; KCNJ10-Related Pendred Syndrome; DEAFNESS, AUTOSOMAL RECESSIVE 4, WITH ENLARGED VESTIBULAR AQUEDUCT, DIGENIC; Nonsyndromic enlarged vestibular aqueduct (NSEVA). Identifiers: Orphanet 90636, MedGen C3538946, MONDO:0010933, OMIM 600791.
EAST syndrome (SESAMES). Also called: SEIZURES, SENSORINEURAL DEAFNESS, ATAXIA, IMPAIRED INTELLECTUAL DEVELOPMENT, AND ELECTROLYTE IMBALANCE. Identifiers: Orphanet 199343, MedGen C2748572, MONDO:0013005, OMIM 612780.

Allele frequency attached by ClinVar (database versions not stated): gnomAD exomes 0.00675; gnomAD 0.02140 and 0.02238; 1000 Genomes Project 0.02376; TOPMed 0.02377; 1000 Genomes Project 30x 0.02452.

Submissions (3):

GeneDx
Classification: Benign. Last evaluated: 2021-05-20. Review status: criteria provided, single submitter. Criteria: GeneDx Variant Classification Process June 2021. Collection method: clinical testing. Allele origin: germline. Affected: yes.

Illumina Laboratory Services, Illumina
Classification: Likely benign for Autosomal recessive nonsyndromic hearing loss 4. Last evaluated: 2018-01-13. Review status: criteria provided, single submitter. Criteria: ICSL Variant Classification Criteria 13 December 2019. Collection method: clinical testing. Allele origin: germline.
Comment: This variant was observed in the ICSL laboratory as part of a predisposition screen in an ostensibly healthy population. It had not been previously curated by ICSL or reported in the Human Gene Mutation Database (HGMD: prior to June 1st, 2018), and was therefore a candidate for classification through an automated scoring system. Utilizing variant allele frequency, disease prevalence and penetrance estimates, and inheritance mode, an automated score was calculated to assess if this variant is too frequent to cause the disease. Based on the score and internal cut-off values, a variant classified as likely benign is not then subjected to further curation. The score for this variant resulted in a classification of likely benign for this disease.

Illumina Laboratory Services, Illumina
Classification: Benign for EAST syndrome. Last evaluated: 2018-01-13. Review status: criteria provided, single submitter. Criteria: ICSL Variant Classification Criteria 13 December 2019. Collection method: clinical testing. Allele origin: germline.
Comment: This variant was observed in the ICSL laboratory as part of a predisposition screen in an ostensibly healthy population. It had not been previously curated by ICSL or reported in the Human Gene Mutation Database (HGMD: prior to June 1st, 2018), and was therefore a candidate for classification through an automated scoring system. Utilizing variant allele frequency, disease prevalence and penetrance estimates, and inheritance mode, an automated score was calculated to assess if this variant is too frequent to cause the disease. Based on the score and internal cut-off values, a variant classified as benign is not then subjected to further curation. The score for this variant resulted in a classification of benign for this disease.